The following is an entry in ClinVar:

ClinVar aggregate classification (germline): Uncertain significance (1 of 4 stars; one submission).

Conditions:
ATP11A-related disorder. Also called: ATP11A-related condition.

gnomAD v4.1: 4 of 1,598,212 alleles (0.00025%); highest among the groups gnomAD compares: Non-Finnish European, 0.00034%; no homozygotes.

Submission:

PreventionGenetics, part of Exact Sciences
Classification: Uncertain significance for ATP11A-related condition. Last evaluated: 2026-06-01. Review status: criteria provided, single submitter. Criteria: ACMG Guidelines, 2015. Collection method: clinical testing. Allele origin: germline.
Comment: The ATP11A c.1706-8T>G variant is predicted to interfere with splicing. This variant is predicted to alter splicing based on available splicing prediction software (SpliceAI, Jaganathan et al. 2019. PubMed ID: 30661751). However, the use of computer prediction software is not equivalent to functional evidence. To our knowledge, this variant has not been reported in the literature or in a large population database (gnomAD), indicating this variant is rare. At this time, the clinical significance of this variant is uncertain due to the absence of conclusive functional and genetic evidence.

NM_015205.3(ATP11A):c.1706-8T>G

Gene: ATP11A (ATPase phospholipid transporting 11A; plus strand). Cytogenetic location: 13q34.
Variant type: single nucleotide variant.
Coding change: c.1706-8T>G on transcript NM_015205.3 (MANE Select); 8 bases into the intron before coding-DNA position 1706, T replaced by G.
Molecular consequence: intron variant.
Genome position (GRCh38, 1-based): chr13:112,842,268, T>G. VCF-style: chr13-112842268-T-G. GRCh37 (hg19) VCF-style: chr13-113496582-T-G.
Other names: c.1706-8T>G (NM_001405663.1, NM_001405661.1, NM_032189.4 and 1 more transcripts).
Identifiers: ClinVar variation 4977305 (VCV004977305.1).
Genomic context (GRCh38, chr13:112,842,268, plus strand): 5'-ATAATTTTAAAAAATAATCTAGTCTTCCCCATATTGTGATTAAACTCCTCATTTTTCTCA[T>G]TTTGTAGGAGAAATTTATCTGTTTTGCAAAGGAGCAGATTCTTCGATATTCCCCCGAGTG-3'